The following is an entry in ClinVar:

NM_032608.7(MYO18B):c.6561A>T (p.Ser2187=)

Gene: MYO18B (myosin XVIIIB; plus strand). Cytogenetic location: 22q12.1.
Variant type: single nucleotide variant.
Coding change: c.6561A>T on transcript NM_032608.7 (MANE Select); coding-DNA position 6561, A replaced by T.
Protein change: p.Ser2187=; no amino-acid change (serine 2187 retained).
Molecular consequence: synonymous variant.
Genome position (GRCh38, 1-based): chr22:26,026,535, A>T. VCF-style: chr22-26026535-A-T. GRCh37 (hg19) VCF-style: chr22-26422501-A-T.
Other names: c.6564A>T, p.Ser2188= (NM_001318245.2).
Identifiers: ClinVar variation 718383 (VCV000718383.35), dbSNP rs73154187, ClinGen allele CA10161563.

ClinVar aggregate classification (germline): Benign/Likely benign. Review status: criteria provided, multiple submitters, no conflicts (2 of 4 stars). 3 submissions from 3 submitters: Benign (2); Likely benign (1). Last evaluated 2026-08-01.

Allele frequency attached by ClinVar (database versions not stated): 1000 Genomes Project 30x 0.00297; 1000 Genomes Project 0.00319; TOPMed 0.00455; ExAC 0.00458; ESP Exome Variant Server 0.00465; gnomAD exomes 0.00489; gnomAD 0.00494 and 0.00503.
gnomAD v4.1: 10,036 of 1,613,936 alleles (0.62%); highest among the groups gnomAD compares: Non-Finnish European, 0.72%; 51 homozygotes.

Submissions (3):

CeGaT Center for Human Genetics Tuebingen
Classification: Likely benign. Last evaluated: 2026-08-01. Review status: criteria provided, single submitter. Criteria: CeGaT Center For Human Genetics Tuebingen Variant Classification Criteria Version 2. Collection method: clinical testing. Allele origin: germline. Affected: yes. Observed: 8 variant alleles.
Comment: MYO18B: BP4, BP7, BS2

Labcorp Genetics (formerly Invitae), Labcorp
Classification: Benign. Last evaluated: 2026-02-01. Review status: criteria provided, single submitter. Criteria: Invitae Variant Classification Sherloc (09022015). Collection method: clinical testing. Allele origin: germline.

Breakthrough Genomics
Classification: Benign. Review status: criteria provided, single submitter. Criteria: ACMG Guidelines, 2015. Collection method: not provided. Allele origin: germline. Inheritance: Autosomal recessive inheritance. Affected: yes.